The following is an entry in ClinVar:

ClinVar aggregate classification (germline): Uncertain significance. Review status: criteria provided, multiple submitters, no conflicts (2 of 4 stars). 3 submissions from 3 submitters: Uncertain significance (2). 1 of the submissions does not count toward it. Last evaluated 2021-07-22.

Conditions:
MEGF8-related disorder. Also called: MEGF8-related condition.
MEGF8-related Carpenter syndrome. Also called: Carpenter syndrome 2. Identifiers: Orphanet 65759, MedGen C3554247, MONDO:0013998, OMIM 614976.

Allele frequency attached by ClinVar (database versions not stated): gnomAD 0.00002; gnomAD exomes 0.00002; ExAC 0.00003; TOPMed 0.00004.
gnomAD v4.1: 37 of 1,610,328 alleles (0.0023%); highest among the groups gnomAD compares: Admixed American, 0.0034%; no homozygotes.

Submissions (3):

Blueprint Genetics
Classification: Uncertain significance. Last evaluated: 2021-07-22. Review status: criteria provided, single submitter. Criteria: ACMG Guidelines, 2015. Collection method: clinical testing. Allele origin: germline.

Labcorp Genetics (formerly Invitae), Labcorp
Classification: Uncertain significance for MEGF8-related Carpenter syndrome. Last evaluated: 2020-09-11. Review status: criteria provided, single submitter. Criteria: Invitae Variant Classification Sherloc (09022015). Collection method: clinical testing. Allele origin: germline.
Comment: In summary, the available evidence is currently insufficient to determine the role of this variant in disease. Therefore, it has been classified as a Variant of Uncertain Significance. Algorithms developed to predict the effect of missense changes on protein structure and function are either unavailable or do not agree on the potential impact of this missense change (SIFT: "Tolerated"; PolyPhen-2: "Probably Damaging"; Align-GVGD: "Class C0"). This variant has not been reported in the literature in individuals with MEGF8-related conditions. This variant is present in population databases (rs777955709, ExAC 0.005%). This sequence change replaces arginine with cysteine at codon 1870 of the MEGF8 protein (p.Arg1870Cys). The arginine residue is moderately conserved and there is a large physicochemical difference between arginine and cysteine.

PreventionGenetics, part of Exact Sciences
Classification: Uncertain significance for MEGF8-related condition. Last evaluated: 2023-11-09. Review status: no assertion criteria provided. Collection method: clinical testing. Allele origin: germline. Not counted in ClinVar's aggregate classification.
Comment: The MEGF8 c.5608C>T variant is predicted to result in the amino acid substitution p.Arg1870Cys. To our knowledge, this variant has not been reported in the literature. This variant is reported in 0.0036% of alleles in individuals of European (Non-Finnish) descent in gnomAD. At this time, the clinical significance of this variant is uncertain due to the absence of conclusive functional and genetic evidence.

NM_001271938.2(MEGF8):c.5809C>T (p.Arg1937Cys)

Gene: MEGF8 (multiple EGF like domains 8; plus strand). Cytogenetic location: 19q13.2.
Variant type: single nucleotide variant.
Coding change: c.5809C>T on transcript NM_001271938.2 (MANE Select); coding-DNA position 5809, C replaced by T.
Protein change: p.Arg1937Cys; replaces arginine 1937 with cysteine.
Molecular consequence: missense variant.
Genome position (GRCh38, 1-based): chr19:42,362,178, C>T. VCF-style: chr19-42362178-C-T. GRCh37 (hg19) VCF-style: chr19-42866330-C-T.
Other names: c.5608C>T, p.Arg1870Cys (NM_001410.3); c.5608C>T (NM_001410.2); short protein forms R1870C, R1937C.
Identifiers: ClinVar variation 1020639 (VCV001020639.11), dbSNP rs777955709, ClinGen allele CA9475693.